The following is an entry in ClinVar:

NM_006059.4(LAMC3):c.4147A>G (p.Met1383Val)

Gene: LAMC3 (laminin subunit gamma 3; plus strand). Cytogenetic location: 9q34.12.
Variant type: single nucleotide variant.
Coding change: c.4147A>G on transcript NM_006059.4 (MANE Select); coding-DNA position 4147, A replaced by G.
Protein change: p.Met1383Val; replaces methionine 1383 with valine.
Molecular consequence: missense variant.
Genome position (GRCh38, 1-based): chr9:131,085,640, A>G. VCF-style: chr9-131085640-A-G. GRCh37 (hg19) VCF-style: chr9-133961027-A-G.
Other names: short protein forms M1383V.
Identifiers: ClinVar variation 1347601 (VCV001347601.6), dbSNP rs747902679, ClinGen allele CA375264644.

ClinVar aggregate classification (germline): Uncertain significance (1 of 4 stars; one submission).

Submission:

Labcorp Genetics (formerly Invitae), Labcorp
Classification: Uncertain significance. Last evaluated: 2021-10-27. Review status: criteria provided, single submitter. Criteria: Invitae Variant Classification Sherloc (09022015). Collection method: clinical testing. Allele origin: germline.
Comment: In summary, the available evidence is currently insufficient to determine the role of this variant in disease. Therefore, it has been classified as a Variant of Uncertain Significance. Algorithms developed to predict the effect of missense changes on protein structure and function (SIFT, PolyPhen-2, Align-GVGD) all suggest that this variant is likely to be tolerated. This variant has not been reported in the literature in individuals affected with LAMC3-related conditions. This variant is not present in population databases (gnomAD no frequency). This sequence change replaces methionine, a(n) neutral and non-polar amino acid, with valine, a(n) neutral and non-polar amino acid, at codon 1383 of the LAMC3 protein (p.Met1383Val).